The following is an entry in ClinVar:

ClinVar aggregate classification (germline): Uncertain significance (1 of 4 stars; one submission).

Conditions:
Werner syndrome (WRN). Identifiers: Orphanet 902, MedGen C0043119, MONDO:0010196, OMIM 277700.

Submission:

Labcorp Genetics (formerly Invitae), Labcorp
Classification: Uncertain significance for Werner syndrome. Last evaluated: 2024-04-22. Review status: criteria provided, single submitter. Criteria: Invitae Variant Classification Sherloc (09022015). Collection method: clinical testing. Allele origin: germline.
Comment: This sequence change replaces serine, which is neutral and polar, with asparagine, which is neutral and polar, at codon 548 of the WRN protein (p.Ser548Asn). This variant is not present in population databases (gnomAD no frequency). This variant has not been reported in the literature in individuals affected with WRN-related conditions. ClinVar contains an entry for this variant (Variation ID: 849181). Algorithms developed to predict the effect of missense changes on protein structure and function output the following: SIFT: "Not Available"; PolyPhen-2: "Benign"; Align-GVGD: "Not Available". The asparagine amino acid residue is found in multiple mammalian species, which suggests that this missense change does not adversely affect protein function. In summary, the available evidence is currently insufficient to determine the role of this variant in disease. Therefore, it has been classified as a Variant of Uncertain Significance.

NM_000553.6(WRN):c.1643G>A (p.Ser548Asn)

Gene: WRN (WRN RecQ like helicase; plus strand). Cytogenetic location: 8p12.
Variant type: single nucleotide variant.
Coding change: c.1643G>A on transcript NM_000553.6 (MANE Select); coding-DNA position 1643, G replaced by A.
Protein change: p.Ser548Asn; replaces serine 548 with asparagine.
Molecular consequence: missense variant.
Genome position (GRCh38, 1-based): chr8:31,088,956, G>A. VCF-style: chr8-31088956-G-A. GRCh37 (hg19) VCF-style: chr8-30946472-G-A.
Other names: short protein forms S548N.
Identifiers: ClinVar variation 849181 (VCV000849181.5), dbSNP rs1813641310, ClinGen allele CA370926493.